The following is an entry in ClinVar:

NM_001130144.3(LTBP3):c.2746AAG[1] (p.Lys917del)

Gene: LTBP3 (latent transforming growth factor beta binding protein 3; minus strand). Cytogenetic location: 11q13.1.
Variant type: Microsatellite.
Coding change: c.2746AAG[1] on transcript NM_001130144.3 (MANE Select); one copy of the 3-base unit AAG starting at c.2746; the reference has two copies in a row; one copy, 3 bases deleted.
Protein change: p.Lys917del; deletes lysine 917.
Molecular consequence: inframe deletion.
Genome position (GRCh38, 1-based): chr11:65,541,268-65,541,270, CTT deleted on the plus strand (AAG on the coding strand, the reverse complement: LTBP3 is on the minus strand); deleting any 3 consecutive bases within chr11:65,541,268-65,541,273 gives the same sequence; the position shown is the placement nearest the transcript's 3' end. VCF-style (leftmost placement, unchanged base first): chr11-65541267-CCTT-C. GRCh37 (hg19) VCF-style: chr11-65308738-CCTT-C.
Other names: c.2395AAG[1], p.Lys800del (NM_001164266.1); c.2746AAG[1], p.Lys917del (NM_021070.4); short protein forms K800del, K917del.
Identifiers: ClinVar variation 1022403 (VCV001022403.10), dbSNP rs749595547, ClinGen allele CA6100485.

ClinVar aggregate classification (germline): Uncertain significance. Review status: criteria provided, multiple submitters, no conflicts (2 of 4 stars). 2 submissions from 2 submitters: Uncertain significance (2). Last evaluated 2026-01-22.

Conditions:
Brachyolmia-amelogenesis imperfecta syndrome. Also called: PLATYSPONDYLY WITH AMELOGENESIS IMPERFECTA; Tooth agenesis, selective, 6; Dental anomalies and short stature. Identifiers: Orphanet 2899, MedGen C1832594, MONDO:0011018, OMIM 601216. Disease mechanism: loss of function.

Submissions (2):

Labcorp Genetics (formerly Invitae), Labcorp
Classification: Uncertain significance for Brachyolmia-amelogenesis imperfecta syndrome. Last evaluated: 2026-01-22. Review status: criteria provided, single submitter. Criteria: Invitae Variant Classification Sherloc (09022015). Collection method: clinical testing. Allele origin: germline.
Comment: This variant, c.2749_2751del, results in the deletion of 1 amino acid(s) of the LTBP3 protein (p.Lys917del), but otherwise preserves the integrity of the reading frame. This variant is present in population databases (rs749595547, gnomAD 0.06%). This variant has not been reported in the literature in individuals affected with LTBP3-related conditions. Experimental studies and prediction algorithms are not available or were not evaluated, and the functional significance of this variant is currently unknown. In summary, the available evidence is currently insufficient to determine the role of this variant in disease. Therefore, it has been classified as a Variant of Uncertain Significance.

Blueprint Genetics
Classification: Uncertain significance. Last evaluated: 2024-08-27. Review status: criteria provided, single submitter. Criteria: ACMG Guidelines, 2015. Collection method: clinical testing. Allele origin: germline.